The following is an entry in ClinVar:

ClinVar aggregate classification (germline): Uncertain significance. Review status: criteria provided, multiple submitters, no conflicts (2 of 4 stars). 3 submissions from 3 submitters: Uncertain significance (3). Last evaluated 2024-10-15.

Conditions:
Saldino-Mainzer syndrome (SRTD9). Also called: CONORENAL SYNDROME; Renal dysplasia, retinal pigmentary dystrophy, cerebellar ataxia and skeletal dysplasia; short-rib thoracic dysplasia 9 with or without polydactyly; SHORT-RIB THORACIC DYSPLASIA 9 WITHOUT POLYDACTYLY. Identifiers: Orphanet 140969, MedGen C1849437, MONDO:0009964, OMIM 266920.
Retinitis pigmentosa 80 (RP80). Identifiers: MedGen C4540439, MONDO:0054708, OMIM 617781.

Allele frequency attached by ClinVar (database versions not stated): ExAC 0.00001; gnomAD 0.00001; gnomAD exomes 0.00001; ESP Exome Variant Server 0.00008.
gnomAD v4.1: 14 of 1,612,632 alleles (0.00087%); highest among the groups gnomAD compares: South Asian, 0.0044%; 1 homozygote.

Submissions (3):

Labcorp Genetics (formerly Invitae), Labcorp
Classification: Uncertain significance for Saldino-Mainzer syndrome. Last evaluated: 2024-10-15. Review status: criteria provided, single submitter. Criteria: Invitae Variant Classification Sherloc (09022015). Collection method: clinical testing. Allele origin: germline.
Comment: This sequence change replaces alanine, which is neutral and non-polar, with valine, which is neutral and non-polar, at codon 1142 of the IFT140 protein (p.Ala1142Val). This variant is present in population databases (rs370255916, gnomAD 0.0009%). This variant has not been reported in the literature in individuals affected with IFT140-related conditions. ClinVar contains an entry for this variant (Variation ID: 1014990). Invitae Evidence Modeling of protein sequence and biophysical properties (such as structural, functional, and spatial information, amino acid conservation, physicochemical variation, residue mobility, and thermodynamic stability) has been performed for this missense variant. However, the output from this modeling did not meet the statistical confidence thresholds required to predict the impact of this variant on IFT140 protein function. In summary, the available evidence is currently insufficient to determine the role of this variant in disease. Therefore, it has been classified as a Variant of Uncertain Significance.

Blueprint Genetics
Classification: Uncertain significance. Last evaluated: 2024-06-05. Review status: criteria provided, single submitter. Criteria: ACMG Guidelines, 2015. Collection method: clinical testing. Allele origin: germline.

Fulgent Genetics
Classification: Uncertain significance for Saldino-Mainzer syndrome; Retinitis pigmentosa 80. Last evaluated: 2021-12-26. Review status: criteria provided, single submitter. Criteria: ACMG Guidelines, 2015. Collection method: clinical testing. Allele origin: unknown.

NM_014714.4(IFT140):c.3425C>T (p.Ala1142Val)

Gene: IFT140 (intraflagellar transport 140; minus strand). Cytogenetic location: 16p13.3.
Variant type: single nucleotide variant.
Coding change: c.3425C>T on transcript NM_014714.4 (MANE Select); coding-DNA position 3425, C replaced by T.
Protein change: p.Ala1142Val; replaces alanine 1142 with valine.
Molecular consequence: missense variant.
Genome position (GRCh38, 1-based): chr16:1,523,546, G>A on the plus strand (C>T on the coding strand, the complement: IFT140 is on the minus strand). VCF-style: chr16-1523546-G-A. GRCh37 (hg19) VCF-style: chr16-1573547-G-A.
Other names: short protein forms A1142V.
Identifiers: ClinVar variation 1014990 (VCV001014990.10), dbSNP rs370255916, ClinGen allele CA7813176.